The following is an entry in ClinVar:

NM_018417.6(ADCY10):c.4078G>A (p.Gly1360Arg)

Gene: ADCY10 (adenylate cyclase 10; minus strand). Cytogenetic location: 1q24.2.
Variant type: single nucleotide variant.
Coding change: c.4078G>A on transcript NM_018417.6 (MANE Select); coding-DNA position 4078, G replaced by A.
Protein change: p.Gly1360Arg; replaces glycine 1360 with arginine.
Molecular consequence: missense variant.
Genome position (GRCh38, 1-based): chr1:167,823,098, C>T on the plus strand (G>A on the coding strand, the complement: ADCY10 is on the minus strand). VCF-style: chr1-167823098-C-T. GRCh37 (hg19) VCF-style: chr1-167792336-C-T.
Other names: c.3619G>A, p.Gly1207Arg (NM_001167749.3); c.3802G>A, p.Gly1268Arg (NM_001297772.2); short protein forms G1207R, G1268R, G1360R.
Identifiers: ClinVar variation 1956118 (VCV001956118.5), dbSNP rs2524919986, ClinGen allele CA343097980.

ClinVar aggregate classification (germline): Uncertain significance (1 of 4 stars; one submission).

Submission:

Labcorp Genetics (formerly Invitae), Labcorp
Classification: Uncertain significance. Last evaluated: 2024-06-03. Review status: criteria provided, single submitter. Criteria: Invitae Variant Classification Sherloc (09022015). Collection method: clinical testing. Allele origin: germline.
Comment: This sequence change replaces glycine, which is neutral and non-polar, with arginine, which is basic and polar, at codon 1360 of the ADCY10 protein (p.Gly1360Arg). This variant is not present in population databases (gnomAD no frequency). This variant has not been reported in the literature in individuals affected with ADCY10-related conditions. ClinVar contains an entry for this variant (Variation ID: 1956118). An algorithm developed to predict the effect of missense changes on protein structure and function (PolyPhen-2) suggests that this variant is likely to be tolerated. In summary, the available evidence is currently insufficient to determine the role of this variant in disease. Therefore, it has been classified as a Variant of Uncertain Significance.